The following is an entry in ClinVar:

ClinVar aggregate classification (germline): Benign/Likely benign. Review status: criteria provided, multiple submitters, no conflicts (2 of 4 stars). 3 submissions from 3 submitters: Benign (2); Likely benign (1). Last evaluated 2026-01-31.

Allele frequency attached by ClinVar (database versions not stated): gnomAD exomes 0.00050 and 0.00108; ExAC 0.00123; gnomAD 0.00377 and 0.00396; ESP Exome Variant Server 0.00380; TOPMed 0.00402; 1000 Genomes Project 30x 0.00500; 1000 Genomes Project 0.00539.
gnomAD v4.1: 1,303 of 1,614,006 alleles (0.081%); highest among the groups gnomAD compares: African/African-American, 1.3%; 16 homozygotes.

Submissions (3):

Labcorp Genetics (formerly Invitae), Labcorp
Classification: Benign. Last evaluated: 2026-01-31. Review status: criteria provided, single submitter. Criteria: Invitae Variant Classification Sherloc (09022015). Collection method: clinical testing. Allele origin: germline.

CeGaT Center for Human Genetics Tuebingen
Classification: Benign. Last evaluated: 2025-12-01. Review status: criteria provided, single submitter. Criteria: CeGaT Center For Human Genetics Tuebingen Variant Classification Criteria Version 2. Collection method: clinical testing. Allele origin: germline. Affected: yes. Observed: 1 variant allele.
Comment: VPS11: BP4, BS1, BS2

Blueprint Genetics
Classification: Likely benign. Last evaluated: 2024-11-25. Review status: criteria provided, single submitter. Criteria: ACMG Guidelines, 2015. Collection method: clinical testing. Allele origin: germline.

NM_021729.6(VPS11):c.1592G>A (p.Arg531Gln)

Gene: VPS11 (VPS11 core subunit of CORVET and HOPS complexes; plus strand). Cytogenetic location: 11q23.3.
Variant type: single nucleotide variant.
Coding change: c.1592G>A on transcript NM_021729.6 (MANE Select); coding-DNA position 1592, G replaced by A.
Protein change: p.Arg531Gln; replaces arginine 531 with glutamine.
Molecular consequence: missense variant. On other transcripts: non-coding transcript variant (8).
Genome position (GRCh38, 1-based): chr11:119,077,897, G>A. VCF-style: chr11-119077897-G-A. GRCh37 (hg19) VCF-style: chr11-118948607-G-A.
Other names: c.1562G>A, p.Arg521Gln (NM_001290185.2); c.1604G>A, p.Arg535Gln (NM_001378218.1, NM_001378219.1); c.1577G>A, p.Arg526Gln (NM_001378220.1); c.1574G>A, p.Arg525Gln (NM_001378221.1); short protein forms R531Q, R521Q, R525Q, R526Q, R535Q.
Identifiers: ClinVar variation 714058 (VCV000714058.16), dbSNP rs79450906, ClinGen allele CA6313465.